The following is an entry in ClinVar:

NM_001290043.2(TAP2):c.1323G>C (p.Glu441Asp)

Gene: TAP2 (transporter 2, ATP binding cassette subfamily B member; minus strand). Cytogenetic location: 6p21.32.
Variant type: single nucleotide variant.
Coding change: c.1323G>C on transcript NM_001290043.2 (MANE Select); coding-DNA position 1323, G replaced by C.
Protein change: p.Glu441Asp; replaces glutamic acid 441 with aspartic acid.
Molecular consequence: missense variant.
Genome position (GRCh38, 1-based): chr6:32,830,756, C>G on the plus strand (G>C on the coding strand, the complement: TAP2 is on the minus strand). VCF-style: chr6-32830756-C-G. GRCh37 (hg19) VCF-style: chr6-32798533-C-G.
Other names: c.1323G>C, p.Glu441Asp (NM_018833.3, NM_000544.3); short protein forms E441D.
Identifiers: ClinVar variation 2656477 (VCV002656477.24), dbSNP rs1392662391, ClinGen allele CA363581283.

ClinVar aggregate classification (germline): Uncertain significance (1 of 4 stars; one submission).

Allele frequency attached by ClinVar (database versions not stated): gnomAD exomes below 0.00001.
gnomAD v4.1: 5 of 1,612,902 alleles (0.00031%); highest among the groups gnomAD compares: Non-Finnish European, 0.00042%; no homozygotes.

Submission:

CeGaT Center for Human Genetics Tuebingen
Classification: Uncertain significance. Last evaluated: 2023-02-01. Review status: criteria provided, single submitter. Criteria: CeGaT Center For Human Genetics Tuebingen Variant Classification Criteria Version 2. Collection method: clinical testing. Allele origin: germline. Affected: yes. Observed: 1 variant allele.
Comment: TAP2: PM2, BP4